The following is an entry in ClinVar:

NM_000264.5(PTCH1):c.1496C>A (p.Thr499Lys)

Gene: PTCH1 (patched 1; minus strand). Cytogenetic location: 9q22.32.
Variant type: single nucleotide variant.
Coding change: c.1496C>A on transcript NM_000264.5 (MANE Select); coding-DNA position 1496, C replaced by A.
Protein change: p.Thr499Lys; replaces threonine 499 with lysine.
Molecular consequence: missense variant. On other transcripts: non-coding transcript variant (1), intron variant (1).
Genome position (GRCh38, 1-based): chr9:95,477,554, G>T on the plus strand (C>A on the coding strand, the complement: PTCH1 is on the minus strand). VCF-style: chr9-95477554-G-T. GRCh37 (hg19) VCF-style: chr9-98239836-G-T.
Other names: c.1298C>A, p.Thr433Lys (NM_001083602.3); c.1493C>A, p.Thr498Lys (NM_001083603.3); c.1043C>A, p.Thr348Lys (NM_001083604.3, NM_001083605.3, NM_001083606.3 and 1 more transcripts); c.1347+501C>A (NM_001354918.2); short protein forms T498K, T348K, T433K, T499K.
Identifiers: ClinVar variation 963959 (VCV000963959.10), dbSNP rs1298115628, ClinGen allele CA374118382.
Genomic context (GRCh38, chr9:95,477,554, plus strand): 5'-GGGGGCCGGGTGGCATTTGTCAACGGACAGCAGATAAATGGCTCCTTTAGTACCTGAGTT[G>T]TTGCAGCGTTAAAGGAAATTCCGATCAATGAGCACAGGCCCAGTCCTGCAGCCACTGACA-3'
Protein context (NP_000255.2, residues 489-509): SLIGISFNAA[Thr499Lys]TQVLPFLALG

ClinVar aggregate classification (germline): Uncertain significance (1 of 4 stars; one submission).

Conditions:
Gorlin syndrome. Also called: Basal cell nevus syndrome; Nevoid Basal Cell Carcinoma Syndrome. Identifiers: Orphanet 377, MedGen C0004779, MONDO:0007187.

Submission:

Labcorp Genetics (formerly Invitae), Labcorp
Classification: Uncertain significance for Gorlin syndrome. Last evaluated: 2020-01-16. Review status: criteria provided, single submitter. Criteria: Invitae Variant Classification Sherloc (09022015). Collection method: clinical testing. Allele origin: germline.
Comment: This variant has not been reported in the literature in individuals with PTCH1-related conditions. This variant is not present in population databases (ExAC no frequency). This sequence change replaces threonine with lysine at codon 499 of the PTCH1 protein (p.Thr499Lys). The threonine residue is moderately conserved and there is a moderate physicochemical difference between threonine and lysine. Algorithms developed to predict the effect of missense changes on protein structure and function are either unavailable or do not agree on the potential impact of this missense change (SIFT: "Tolerated"; PolyPhen-2: "Probably Damaging"; Align-GVGD: "Class C0"). In summary, the available evidence is currently insufficient to determine the role of this variant in disease. Therefore, it has been classified as a Variant of Uncertain Significance.